The following is an entry in ClinVar:

NM_032638.5(GATA2):c.306del (p.Ala103fs)

Gene: GATA2 (GATA binding protein 2; minus strand). Cytogenetic location: 3q21.3.
Variant type: Deletion.
Coding change: c.306del on transcript NM_032638.5 (MANE Select); coding-DNA position 306, one base deleted (A; older notation c.306delA).
Protein change: p.Ala103fs; shifts the reading frame from alanine 103.
Molecular consequence: frameshift variant.
Genome position (GRCh38, 1-based): chr3:128,486,292, T deleted on the plus strand (A on the coding strand, the reverse complement: GATA2 is on the minus strand); the first of 3 consecutive T bases (chr3:128,486,292-128,486,294); deleting any one gives the same sequence. VCF-style (leftmost placement, unchanged base first): chr3-128486291-CT-C. GRCh37 (hg19) VCF-style: chr3-128205134-CT-C.
Other names: c.306del, p.Ala103fs (NM_001145661.2, NM_001145662.1); short protein forms A103fs.
Identifiers: ClinVar variation 1184174 (VCV001184174.1), dbSNP rs2107672869, ClinGen allele CA1139532780.
Genomic context (GRCh38, chr3:128,486,291, plus strand): 5'-TGGAGAAGGGGCTCACGGTCCAGGGGTTGTGGTGGTGGGCCGCAGCGGCAGAGAGGGCTG[CT>C]TTGCCCCCGTCCAGCCAGGGCAAACCCGGGCTGTGCAACAAGTGTGGGCGGCACATCTGG-3'

ClinVar aggregate classification (germline): Pathogenic (1 of 4 stars; one submission).

Conditions:
Deafness-lymphedema-leukemia syndrome. Also called: Emberger syndrome; Lymphedema, primary, with myelodysplasia. Identifiers: Orphanet 3226, MedGen C3279664, MONDO:0013540, OMIM 614038.
GATA2 deficiency with susceptibility to MDS/AML. Identifiers: MedGen CN300066, MONDO:0042982.

Submission:

Molecular Pathology Research Laboratory, SA Pathology
Classification: Pathogenic for GATA2 deficiency with susceptibility to MDS/AML; Deafness-lymphedema-leukemia syndrome. Last evaluated: 2021-07-06. Review status: criteria provided, single submitter. Criteria: ACMG Guidelines, 2015. Collection method: curation. Allele origin: unknown. Inheritance: Autosomal dominant inheritance. Affected: yes. Observed: 1 variant allele.
Comment: PVS1, PS4_Supporting, PM2

Literature cited by the submitters: PubMed 26702063.